The following is an entry in ClinVar:

NM_004006.3(DMD):c.3547A>G (p.Arg1183Gly)

Gene: DMD (dystrophin; minus strand). Cytogenetic location: Xp21.1.
Variant type: single nucleotide variant.
Coding change: c.3547A>G on transcript NM_004006.3 (MANE Select); coding-DNA position 3547, A replaced by G.
Protein change: p.Arg1183Gly; replaces arginine 1183 with glycine.
Molecular consequence: missense variant.
Genome position (GRCh38, 1-based): chrX:32,454,718, T>C on the plus strand (A>G on the coding strand, the complement: DMD is on the minus strand). VCF-style: chrX-32454718-T-C. GRCh37 (hg19) VCF-style: chrX-32472835-T-C.
Other names: c.3523A>G, p.Arg1175Gly (NM_000109.4); c.3535A>G, p.Arg1179Gly (NM_004009.3); c.3178A>G, p.Arg1060Gly (NM_004010.3); short protein forms R1060G, R1179G, R1175G, R1183G.
Identifiers: ClinVar variation 3019245 (VCV003019245.3), dbSNP rs2524366946, ClinGen allele CA412663046.

ClinVar aggregate classification (germline): Uncertain significance (1 of 4 stars; one submission).

Conditions:
Duchenne muscular dystrophy (DMD). Also called: MUSCULAR DYSTROPHY, PSEUDOHYPERTROPHIC PROGRESSIVE, DUCHENNE TYPE; Duchenne Muscular Dystrophy (DMD). Identifiers: Orphanet 98896, MedGen C0013264, MONDO:0010679, OMIM 310200.

gnomAD v4.1: 1 of 1,203,821 alleles (0.000083%); highest among the groups gnomAD compares: South Asian, 0.0018%; no homozygotes.

Submission:

Labcorp Genetics (formerly Invitae), Labcorp
Classification: Uncertain significance for Duchenne muscular dystrophy. Last evaluated: 2023-05-18. Review status: criteria provided, single submitter. Criteria: Invitae Variant Classification Sherloc (09022015). Collection method: clinical testing. Allele origin: germline.
Comment: This variant has not been reported in the literature in individuals affected with DMD-related conditions. This sequence change replaces arginine, which is basic and polar, with glycine, which is neutral and non-polar, at codon 1183 of the DMD protein (p.Arg1183Gly). This variant is not present in population databases (gnomAD no frequency). Advanced modeling of protein sequence and biophysical properties (such as structural, functional, and spatial information, amino acid conservation, physicochemical variation, residue mobility, and thermodynamic stability) performed at Invitae indicates that this missense variant is not expected to disrupt DMD protein function. In summary, the available evidence is currently insufficient to determine the role of this variant in disease. Therefore, it has been classified as a Variant of Uncertain Significance.